The following is an entry in ClinVar:

ClinVar aggregate classification (germline): Pathogenic. Review status: criteria provided, single submitter (1 of 4 stars). 2 submissions from 2 submitters: Pathogenic (1). 1 of the submissions does not count toward it. Last evaluated 2025-12-02.

Conditions:
Malignant tumor of urinary bladder. Also called: Bladder cancer; Urinary bladder cancer; Urinary Bladder Neoplasms. Identifiers: MedGen C0005684, MONDO:0001187, OMIM 109800.
Neurofibromatosis, type 1 (NF1). Also called: Peripheral type neurofibromatosis; VON RECKLINGHAUSEN DISEASE; NEUROFIBROMATOSIS, TYPE I, SOMATIC; Neurofibromatosis, type I. Identifiers: Orphanet 636, MedGen C0027831, MONDO:0018975, OMIM 162200. Disease mechanism: loss of function.

Allele frequency attached by ClinVar (database versions not stated): gnomAD exomes below 0.00001.
gnomAD v4.1: 1 of 1,613,672 alleles (0.000062%); highest among the groups gnomAD compares: Non-Finnish European, 0.000085%; no homozygotes.

Submissions (2):

Labcorp Genetics (formerly Invitae), Labcorp
Classification: Pathogenic for Neurofibromatosis, type 1. Last evaluated: 2025-12-02. Review status: criteria provided, single submitter. Criteria: Invitae Variant Classification Sherloc (09022015). Collection method: clinical testing. Allele origin: germline.
Comment: This sequence change creates a premature translational stop signal (p.Trp425*) in the NF1 gene. It is expected to result in an absent or disrupted protein product. Loss-of-function variants in NF1 are known to be pathogenic (PMID: 10712197, 23913538). This variant is not present in population databases (gnomAD no frequency). This premature translational stop signal has been observed in individual(s) with neurofibromatosis, type 1 (PMID: 15060124). ClinVar contains an entry for this variant (Variation ID: 2137959). For these reasons, this variant has been classified as Pathogenic.

Laboratory of Urology, Hospital Clinic de Barcelona
Classification: Pathogenic for Malignant tumor of urinary bladder. Review status: no assertion criteria provided. Collection method: research. Allele origin: somatic. Affected: yes. Not counted in ClinVar's aggregate classification.

Literature cited by the submitters: PubMed 10712197 (cited by Labcorp Genetics (formerly Invitae), Labcorp); PubMed 23913538 (cited by Labcorp Genetics (formerly Invitae), Labcorp); PubMed 15060124 (cited by Labcorp Genetics (formerly Invitae), Labcorp).

NM_001042492.3(NF1):c.1274G>A (p.Trp425Ter)

Gene: NF1 (neurofibromin 1; plus strand). Cytogenetic location: 17q11.2.
Variant type: single nucleotide variant.
Coding change: c.1274G>A on transcript NM_001042492.3 (MANE Select); coding-DNA position 1274, G replaced by A.
Protein change: p.Trp425Ter; replaces tryptophan 425 with a stop codon.
Molecular consequence: nonsense.
Genome position (GRCh38, 1-based): chr17:31,206,253, G>A. VCF-style: chr17-31206253-G-A. GRCh37 (hg19) VCF-style: chr17-29533271-G-A.
Other names: c.1274G>A, p.Trp425Ter (NM_000267.4, NM_001128147.3); short protein forms W425*.
Identifiers: ClinVar variation 2137959 (VCV002137959.5), dbSNP rs1597688734, ClinGen allele CA398999109.